The following is an entry in ClinVar:

NM_001148.6(ANK2):c.8738T>C (p.Leu2913Pro)

Gene: ANK2 (ankyrin 2; plus strand). Cytogenetic location: 4q26.
Variant type: single nucleotide variant.
Coding change: c.8738T>C on transcript NM_001148.6 (MANE Select); coding-DNA position 8738, T replaced by C.
Protein change: p.Leu2913Pro; replaces leucine 2913 with proline.
Molecular consequence: missense variant. On other transcripts: intron variant (68).
Genome position (GRCh38, 1-based): chr4:113,357,356, T>C. VCF-style: chr4-113357356-T-C. GRCh37 (hg19) VCF-style: chr4-114278512-T-C.
Other names: c.4208-3467T>C (NM_001386146.1, NM_001386150.1, NM_001386149.1 and 1 more transcripts); c.4193-3467T>C (NM_001354274.2, NM_001386154.1); c.4142-3467T>C (NM_001386151.1, NM_001354260.2, NM_001354271.2); c.4043-3467T>C (NM_001386157.1, NM_001354277.2); c.4361-3467T>C (NM_001386161.1, NM_001354244.2, NM_001354256.2); c.4286-3467T>C (NM_001354261.2); c.4166-3467T>C (NM_001386156.1, NM_001354257.2); c.4262-3467T>C (NM_001354264.2); and 35 more; short protein forms L2913P, L1713P, L2835P, L2952P, L2960P.
Identifiers: ClinVar variation 570818 (VCV000570818.5), dbSNP rs1564041926, ClinGen allele CA357934718.

ClinVar aggregate classification (germline): Uncertain significance (1 of 4 stars; one submission).

Conditions:
Long QT syndrome (LQTS). Identifiers: MedGen C0023976, MeSH D008133, MONDO:0002442. Disease mechanism: loss of function. Inheritance: Various modes of inheritance.

Submission:

Labcorp Genetics (formerly Invitae), Labcorp
Classification: Uncertain significance for Long QT syndrome. Last evaluated: 2018-05-14. Review status: criteria provided, single submitter. Criteria: Invitae Variant Classification Sherloc (09022015). Collection method: clinical testing. Allele origin: germline.
Comment: In summary, the available evidence is currently insufficient to determine the role of this variant in disease. Therefore, it has been classified as a Variant of Uncertain Significance. Algorithms developed to predict the effect of missense changes on protein structure and function output the following: SIFT: "Tolerated"; PolyPhen-2: "Benign"; Align-GVGD: "Class C0". The proline amino acid residue is found in multiple mammalian species, suggesting that this missense change does not adversely affect protein function. These predictions have not been confirmed by published functional studies and their clinical significance is uncertain. This variant has not been reported in the literature in individuals with ANK2-related disease. This variant is not present in population databases (ExAC no frequency). This sequence change replaces leucine with proline at codon 2913 of the ANK2 protein (p.Leu2913Pro). The leucine residue is weakly conserved and there is a moderate physicochemical difference between leucine and proline.